The following is an entry in ClinVar:

NM_001127222.2(CACNA1A):c.5439T>G (p.Phe1813Leu)

Gene: CACNA1A (calcium voltage-gated channel subunit alpha1 A; minus strand). Cytogenetic location: 19p13.13.
Variant type: single nucleotide variant.
Coding change: c.5439T>G on transcript NM_001127222.2 (MANE Select); coding-DNA position 5439, T replaced by G.
Protein change: p.Phe1813Leu; replaces phenylalanine 1813 with leucine.
Molecular consequence: missense variant.
Genome position (GRCh38, 1-based): chr19:13,230,171, A>C on the plus strand (T>G on the coding strand, the complement: CACNA1A is on the minus strand). VCF-style: chr19-13230171-A-C. GRCh37 (hg19) VCF-style: chr19-13340985-A-C.
Other names: c.5457T>G, p.Phe1819Leu (NM_000068.4, NM_023035.3); c.5442T>G, p.Phe1814Leu (NM_001127221.2); c.5448T>G, p.Phe1816Leu (NM_001174080.2); short protein forms F1816L, F1819L, F1813L, F1814L.
Identifiers: ClinVar variation 640430 (VCV000640430.1), dbSNP rs1600127242, ClinGen allele CA404333712.

ClinVar aggregate classification (germline): Uncertain significance (1 of 4 stars; one submission).

Conditions:
Developmental and epileptic encephalopathy, 42 (DEE42A). Also called: Epileptic encephalopathy, early infantile, 42; DEVELOPMENTAL AND EPILEPTIC ENCEPHALOPATHY 42A; EPILEPTIC ENCEPHALOPATHY, EARLY INFANTILE, 42A. Identifiers: MedGen C4310716, MONDO:0014917, OMIM 617106.
Episodic ataxia type 2 (EA2). Also called: CEREBELLAR ATAXIA, PAROXYSMAL, ACETAZOLAMIDE-RESPONSIVE; CEREBELLOPATHY, HEREDITARY PAROXYSMAL; EPISODIC ATAXIA, NYSTAGMUS-ASSOCIATED; ATAXIA, EPISODIC, WITH NYSTAGMUS; ATAXIA, FAMILIAL PAROXYSMAL; ACETAZOLAMIDE-RESPONSIVE HEREDITARY PAROXYSMAL CEREBELLAR ATAXIA. Identifiers: Orphanet 97, MedGen C1720416, MONDO:0007163, OMIM 108500.

Submission:

Labcorp Genetics (formerly Invitae), Labcorp
Classification: Uncertain significance for Epileptic encephalopathy, early infantile, 42; Episodic ataxia type 2. Last evaluated: 2018-10-30. Review status: criteria provided, single submitter. Criteria: Invitae Variant Classification Sherloc (09022015). Collection method: clinical testing. Allele origin: germline.
Comment: This sequence change replaces phenylalanine with leucine at codon 1814 of the CACNA1A protein (p.Phe1814Leu). The phenylalanine residue is highly conserved and there is a small physicochemical difference between phenylalanine and leucine. This variant is not present in population databases (ExAC no frequency). This variant has not been reported in the literature in individuals with CACNA1A-related disease. Algorithms developed to predict the effect of missense changes on protein structure and function are either unavailable or do not agree on the potential impact of this missense change (SIFT: "Deleterious"; PolyPhen-2: "Probably Damaging"; Align-GVGD: "Class C15"). In summary, the available evidence is currently insufficient to determine the role of this variant in disease. Therefore, it has been classified as a Variant of Uncertain Significance.